The following is an entry in ClinVar:

ClinVar aggregate classification (germline): Conflicting classifications of pathogenicity. Review status: criteria provided, conflicting classifications (1 of 4 stars). 4 submissions from 4 submitters: Uncertain significance (1); Benign (2). 1 of the submissions does not count toward it. Last evaluated 2026-01-26.

Conditions:
GALNS-related disorder. Also called: GALNS-related condition.
Mucopolysaccharidosis, MPS-IV-A (MPS4A). Also called: Mucopolysaccharidosis type IV A; Mucopolysaccharidosis Type IVA; Morquio syndrome A, mild; MORQUIO SYNDROME A; MPS IVA; mucopolysaccharidosis type 4A. Identifiers: Orphanet 309297, Orphanet 582, MedGen C0086651, MONDO:0009659, OMIM 253000.

Allele frequency attached by ClinVar (database versions not stated): gnomAD 0.00006 and 0.00007; ESP Exome Variant Server 0.00008; 1000 Genomes Project 0.00020; TOPMed 0.00020; 1000 Genomes Project 30x 0.00062.
gnomAD v4.1: 132 of 1,613,896 alleles (0.0082%); highest among the groups gnomAD compares: Admixed American, 0.21%; 1 homozygote.

Submissions (4):

Labcorp Genetics (formerly Invitae), Labcorp
Classification: Benign for Mucopolysaccharidosis, MPS-IV-A. Last evaluated: 2026-01-26. Review status: criteria provided, single submitter. Criteria: Invitae Variant Classification Sherloc (09022015). Collection method: clinical testing. Allele origin: germline.

Genome-Nilou Lab
Classification: Benign for Mucopolysaccharidosis, MPS-IV-A. Last evaluated: 2021-11-07. Review status: criteria provided, single submitter. Criteria: ACMG Guidelines, 2015. Collection method: clinical testing. Allele origin: germline. Affected: no.

Illumina Laboratory Services, Illumina
Classification: Uncertain significance for Mucopolysaccharidosis, MPS-IV-A. Last evaluated: 2018-01-12. Review status: criteria provided, single submitter. Criteria: ICSL Variant Classification Criteria 13 December 2019. Collection method: clinical testing. Allele origin: germline.

PreventionGenetics, part of Exact Sciences
Classification: Likely benign for GALNS-related condition. Last evaluated: 2022-02-26. Review status: no assertion criteria provided. Collection method: clinical testing. Allele origin: germline. Not counted in ClinVar's aggregate classification.
Comment: This variant is classified as likely benign based on ACMG/AMP sequence variant interpretation guidelines (Richards et al. 2015 PMID: 25741868, with internal and published modifications).

NM_000512.5(GALNS):c.921G>T (p.Leu307=)

Gene: GALNS (galactosamine (N-acetyl)-6-sulfatase; minus strand). Cytogenetic location: 16q24.3.
Variant type: single nucleotide variant.
Coding change: c.921G>T on transcript NM_000512.5 (MANE Select); coding-DNA position 921, G replaced by T.
Protein change: p.Leu307=; no amino-acid change (leucine 307 retained).
Molecular consequence: synonymous variant.
Genome position (GRCh38, 1-based): chr16:88,832,079, C>A on the plus strand (G>T on the coding strand, the complement: GALNS is on the minus strand). VCF-style: chr16-88832079-C-A. GRCh37 (hg19) VCF-style: chr16-88898487-C-A.
Other names: c.366G>T, p.Leu122= (NM_001323543.2); c.939G>T, p.Leu313= (NM_001323544.2).
Identifiers: ClinVar variation 321199 (VCV000321199.20), dbSNP rs201986622, ClinGen allele CA8234901.